The following is an entry in ClinVar:

ClinVar aggregate classification (germline): Uncertain significance (1 of 4 stars; one submission).

Conditions:
Developmental and epileptic encephalopathy, 36 (DEE36). Also called: ALG13-CDG; Congenital disorder of glycosylation, type Is; Epileptic encephalopathy, early infantile, 36. Identifiers: Orphanet 324422, MedGen C4317295, MONDO:0010472, OMIM 300884.

gnomAD v4.1: 1 of 1,210,669 alleles (0.000083%); highest among the groups gnomAD compares: Non-Finnish European, 0.00011%; no homozygotes.

Submission:

Labcorp Genetics (formerly Invitae), Labcorp
Classification: Uncertain significance for Developmental and epileptic encephalopathy, 36. Last evaluated: 2022-07-12. Review status: criteria provided, single submitter. Criteria: Invitae Variant Classification Sherloc (09022015). Collection method: clinical testing. Allele origin: germline.
Comment: In summary, the available evidence is currently insufficient to determine the role of this variant in disease. Therefore, it has been classified as a Variant of Uncertain Significance. Algorithms developed to predict the effect of sequence changes on RNA splicing suggest that this variant may create or strengthen a splice site. Algorithms developed to predict the effect of missense changes on protein structure and function are either unavailable or do not agree on the potential impact of this missense change (SIFT: "Deleterious"; PolyPhen-2: "Benign"; Align-GVGD: "Class C15"). ClinVar contains an entry for this variant (Variation ID: 1355140). This variant has not been reported in the literature in individuals affected with ALG13-related conditions. This variant is not present in population databases (gnomAD no frequency). This sequence change replaces valine, which is neutral and non-polar, with glycine, which is neutral and non-polar, at codon 675 of the ALG13 protein (p.Val675Gly).

NM_001099922.3(ALG13):c.2024T>G (p.Val675Gly)

Gene: ALG13 (ALG13 UDP-N-acetylglucosaminyltransferase subunit; plus strand). Cytogenetic location: Xq23.
Variant type: single nucleotide variant.
Coding change: c.2024T>G on transcript NM_001099922.3 (MANE Select); coding-DNA position 2024, T replaced by G.
Protein change: p.Val675Gly; replaces valine 675 with glycine.
Molecular consequence: missense variant. On other transcripts: non-coding transcript variant (1).
Genome position (GRCh38, 1-based): chrX:111,727,379, T>G. VCF-style: chrX-111727379-T-G. GRCh37 (hg19) VCF-style: chrX-110970607-T-G.
Other names: c.1712T>G, p.Val571Gly (NM_001257230.2, NM_001257234.2, NM_001257237.2); c.1790T>G, p.Val597Gly (NM_001257231.2); c.2024T>G, p.Val675Gly (NM_001324292.2); c.1538T>G, p.Val513Gly (NM_001324293.1); short protein forms V513G, V597G, V675G, V571G.
Identifiers: ClinVar variation 1355140 (VCV001355140.8), dbSNP rs2148225523, ClinGen allele CA414253083.
Genomic context (GRCh38, chrX:111,727,379, plus strand): 5'-TCTTTATTCTTAGGAATTCATCTCGGTTTATAAACAGGCACAACATGCCGGGCCCTAAAG[T>G]TGATTTTTACCCAGGCCCAGGTAAAAGGTGCTGCCAGAGCTATGATAACTTCTCTTATAG-3'
Protein context (NP_001093392.1, residues 665-685): INRHNMPGPK[Val675Gly]DFYPGPGKRC